The following is an entry in ClinVar:

NM_017866.6(TMEM70):c.24C>A (p.Ser8Arg)

Gene: TMEM70 (transmembrane protein 70; plus strand). Cytogenetic location: 8q21.11.
Variant type: single nucleotide variant.
Coding change: c.24C>A on transcript NM_017866.6 (MANE Select); coding-DNA position 24, C replaced by A.
Protein change: p.Ser8Arg; replaces serine 8 with arginine.
Molecular consequence: missense variant. On other transcripts: non-coding transcript variant (1).
Genome position (GRCh38, 1-based): chr8:73,976,305, C>A. VCF-style: chr8-73976305-C-A. GRCh37 (hg19) VCF-style: chr8-74888540-C-A.
Other names: c.24C>A (NM_017866.5); c.24C>A, p.Ser8Arg (NM_001040613.3); short protein forms S8R.
Identifiers: ClinVar variation 1408668 (VCV001408668.6), dbSNP rs1215450178, ClinGen allele CA371489114.

ClinVar aggregate classification (germline): Conflicting classifications of pathogenicity. Review status: criteria provided, conflicting classifications (1 of 4 stars). 2 submissions from 2 submitters: Uncertain significance (1); Likely benign (1). Last evaluated 2024-10-09.

Conditions:
Mitochondrial complex V (ATP synthase) deficiency, nuclear type 2. Also called: Nuclear-Encoded ATPase Deficiency, TMEM70-Related; ENCEPHALOCARDIOMYOPATHY, MITOCHONDRIAL, NEONATAL, DUE TO ATP SYNTHASE DEFICIENCY; MITOCHONDRIAL COMPLEX V (ATP SYNTHASE) DEFICIENCY, TMEM70 TYPE. Identifiers: Orphanet 1194, MedGen C3279699, MONDO:0013546, OMIM 614052.
Inborn genetic diseases. Identifiers: MedGen C0950123, MeSH D030342.

Allele frequency attached by ClinVar (database versions not stated): gnomAD 0.00001; TOPMed 0.00001; gnomAD exomes 0.00002.

Submissions (2):

Ambry Genetics
Classification: Likely benign for Inborn genetic diseases. Last evaluated: 2024-10-09. Review status: criteria provided, single submitter. Criteria: Ambry Variant Classification Scheme 2023. Collection method: clinical testing. Allele origin: germline.

Labcorp Genetics (formerly Invitae), Labcorp
Classification: Uncertain significance for Mitochondrial complex V (ATP synthase) deficiency, nuclear type 2. Last evaluated: 2022-10-03. Review status: criteria provided, single submitter. Criteria: Invitae Variant Classification Sherloc (09022015). Collection method: clinical testing. Allele origin: germline.
Comment: This sequence change replaces serine, which is neutral and polar, with arginine, which is basic and polar, at codon 8 of the TMEM70 protein (p.Ser8Arg). This variant is not present in population databases (gnomAD no frequency). This variant has not been reported in the literature in individuals affected with TMEM70-related conditions. ClinVar contains an entry for this variant (Variation ID: 1408668). Algorithms developed to predict the effect of missense changes on protein structure and function output the following: SIFT: "Tolerated"; PolyPhen-2: "Benign"; Align-GVGD: "Class C0". The arginine amino acid residue is found in multiple mammalian species, which suggests that this missense change does not adversely affect protein function. In summary, the available evidence is currently insufficient to determine the role of this variant in disease. Therefore, it has been classified as a Variant of Uncertain Significance.